The following is an entry in ClinVar:

NM_013436.5(NCKAP1):c.2362T>C (p.Tyr788His)

Gene: NCKAP1 (NCK associated protein 1; minus strand). Cytogenetic location: 2q32.1.
Variant type: single nucleotide variant.
Coding change: c.2362T>C on transcript NM_013436.5 (MANE Select); coding-DNA position 2362, T replaced by C.
Protein change: p.Tyr788His; replaces tyrosine 788 with histidine.
Molecular consequence: missense variant.
Genome position (GRCh38, 1-based): chr2:182,953,123, A>G on the plus strand (T>C on the coding strand, the complement: NCKAP1 is on the minus strand). VCF-style: chr2-182953123-A-G. GRCh37 (hg19) VCF-style: chr2-183817851-A-G.
Other names: c.2380T>C, p.Tyr794His (NM_205842.3); short protein forms Y788H, Y794H.
Identifiers: ClinVar variation 3371197 (VCV003371197.1).
Genomic context (GRCh38, chr2:182,953,123, plus strand): 5'-ACTTCATTACAAATTTTCCGCTACTACAAATTTCTAAATGCATTCCTTACCAATTTGTGT[A>G]TAGACTTGTAATGGTTGGCTCTCCATGACTGTCTAAATGTTGTGTTTGTTGAAGAAGCAC-3'
Protein context (NP_038464.1, residues 778-798): SHGEPTITSL[Tyr788His]TNWYLETLLR

ClinVar aggregate classification (germline): Uncertain significance (1 of 4 stars; one submission).

Submission:

GeneDx
Classification: Uncertain significance. Last evaluated: 2024-03-19. Review status: criteria provided, single submitter. Criteria: GeneDx Variant Classification Process June 2021. Collection method: clinical testing. Allele origin: germline. Affected: yes.
Comment: Not observed at significant frequency in large population cohorts (gnomAD); In silico analysis supports that this missense variant has a deleterious effect on protein structure/function; Has not been previously published as pathogenic or benign to our knowledge